The following is an entry in ClinVar:

ClinVar aggregate classification (germline): Uncertain significance. Review status: criteria provided, multiple submitters, no conflicts (2 of 4 stars). 2 submissions from 2 submitters: Uncertain significance (2). Last evaluated 2025-01-06.

Conditions:
Colorectal cancer, hereditary nonpolyposis, type 7. Identifiers: Orphanet 144, MedGen C1858380, MONDO:0013725, OMIM 614385.

Submissions (2):

Labcorp Genetics (formerly Invitae), Labcorp
Classification: Uncertain significance for Colorectal cancer, hereditary nonpolyposis, type 7. Last evaluated: 2025-01-06. Review status: criteria provided, single submitter. Criteria: Invitae Variant Classification Sherloc (09022015). Collection method: clinical testing. Allele origin: germline.
Comment: This sequence change replaces glutamic acid, which is acidic and polar, with glycine, which is neutral and non-polar, at codon 37 of the MLH3 protein (p.Glu37Gly). This variant is not present in population databases (gnomAD no frequency). This variant has not been reported in the literature in individuals affected with MLH3-related conditions. ClinVar contains an entry for this variant (Variation ID: 1794639). An algorithm developed to predict the effect of missense changes on protein structure and function (PolyPhen-2) suggests that this variant is likely to be tolerated. In summary, the available evidence is currently insufficient to determine the role of this variant in disease. Therefore, it has been classified as a Variant of Uncertain Significance.

Ambry Genetics
Classification: Uncertain significance. Last evaluated: 2021-09-20. Review status: criteria provided, single submitter. Criteria: Ambry Variant Classification Scheme 2023. Collection method: clinical testing. Allele origin: germline.
Comment: The p.E37G variant (also known as c.110A>G), located in coding exon 1 of the MLH3 gene, results from an A to G substitution at nucleotide position 110. The glutamic acid at codon 37 is replaced by glycine, an amino acid with similar properties. This amino acid position is conserved. In addition, this alteration is predicted to be tolerated by in silico analysis. Since supporting evidence is limited at this time, the clinical significance of this alteration remains unclear.

NM_001040108.2(MLH3):c.110A>G (p.Glu37Gly)

Gene: MLH3 (mutL homolog 3; minus strand). Cytogenetic location: 14q24.3.
Variant type: single nucleotide variant.
Coding change: c.110A>G on transcript NM_001040108.2 (MANE Select); coding-DNA position 110, A replaced by G.
Protein change: p.Glu37Gly; replaces glutamic acid 37 with glycine.
Molecular consequence: missense variant.
Genome position (GRCh38, 1-based): chr14:75,049,546, T>C on the plus strand (A>G on the coding strand, the complement: MLH3 is on the minus strand). VCF-style: chr14-75049546-T-C. GRCh37 (hg19) VCF-style: chr14-75516249-T-C.
Other names: c.110A>G, p.Glu37Gly (NM_014381.3); short protein forms E37G.
Identifiers: ClinVar variation 1794639 (VCV001794639.7), dbSNP rs2503337127, ClinGen allele CA390451561.